The following is an entry in ClinVar:

ClinVar aggregate classification (germline): Uncertain significance (1 of 4 stars; one submission).

Conditions:
Fanconi anemia (FA). Also called: Fanconi's anemia. Identifiers: Orphanet 84, MedGen C0015625, MeSH D005199, MONDO:0019391.

gnomAD v4.1: 1 of 1,613,670 alleles (0.000062%); highest among the groups gnomAD compares: East Asian, 0.0022%; no homozygotes.

Submission:

Labcorp Genetics (formerly Invitae), Labcorp
Classification: Uncertain significance for Fanconi anemia. Last evaluated: 2023-11-21. Review status: criteria provided, single submitter. Criteria: Invitae Variant Classification Sherloc (09022015). Collection method: clinical testing. Allele origin: germline.
Comment: This sequence change replaces asparagine, which is neutral and polar, with aspartic acid, which is acidic and polar, at codon 35 of the FANCI protein (p.Asn35Asp). This variant is not present in population databases (gnomAD no frequency). This variant has not been reported in the literature in individuals affected with FANCI-related conditions. Advanced modeling of protein sequence and biophysical properties (such as structural, functional, and spatial information, amino acid conservation, physicochemical variation, residue mobility, and thermodynamic stability) performed at Invitae indicates that this missense variant is not expected to disrupt FANCI protein function with a negative predictive value of 80%. In summary, the available evidence is currently insufficient to determine the role of this variant in disease. Therefore, it has been classified as a Variant of Uncertain Significance.

NM_001113378.2(FANCI):c.103A>G (p.Asn35Asp)

Gene: FANCI (FA complementation group I; plus strand). Cytogenetic location: 15q26.1.
Variant type: single nucleotide variant.
Coding change: c.103A>G on transcript NM_001113378.2 (MANE Select); coding-DNA position 103, A replaced by G.
Protein change: p.Asn35Asp; replaces asparagine 35 with aspartic acid.
Molecular consequence: missense variant. On other transcripts: 5 prime UTR variant (1).
Genome position (GRCh38, 1-based): chr15:89,258,722, A>G. VCF-style: chr15-89258722-A-G. GRCh37 (hg19) VCF-style: chr15-89801953-A-G.
Other names: c.-177A>G (NM_001376910.1); c.103A>G, p.Asn35Asp (NM_001376911.1, NM_018193.3); short protein forms N35D.
Identifiers: ClinVar variation 2747833 (VCV002747833.3), dbSNP rs1172621367, ClinGen allele CA393737344.